The following is an entry in ClinVar:

NM_001003841.3(SLC6A19):c.290G>A (p.Arg97Gln)

Gene: SLC6A19 (solute carrier family 6 member 19; plus strand). Cytogenetic location: 5p15.33.
Variant type: single nucleotide variant.
Coding change: c.290G>A on transcript NM_001003841.3 (MANE Select); coding-DNA position 290, G replaced by A.
Protein change: p.Arg97Gln; replaces arginine 97 with glutamine.
Molecular consequence: missense variant.
Genome position (GRCh38, 1-based): chr5:1,208,833, G>A. VCF-style: chr5-1208833-G-A. GRCh37 (hg19) VCF-style: chr5-1208948-G-A.
Other names: short protein forms R97Q.
Identifiers: ClinVar variation 2056006 (VCV002056006.3), dbSNP rs768989277, ClinGen allele CA3182642.

ClinVar aggregate classification (germline): Uncertain significance. Review status: criteria provided, multiple submitters, no conflicts (2 of 4 stars). 2 submissions from 2 submitters: Uncertain significance (2). Last evaluated 2023-10-29.

Conditions:
Inborn genetic diseases. Identifiers: MedGen C0950123, MeSH D030342.

Allele frequency attached by ClinVar (database versions not stated): ExAC 0.00004; gnomAD exomes 0.00004; TOPMed 0.00004; gnomAD 0.00005.

Submissions (2):

Labcorp Genetics (formerly Invitae), Labcorp
Classification: Uncertain significance. Last evaluated: 2023-10-29. Review status: criteria provided, single submitter. Criteria: Invitae Variant Classification Sherloc (09022015). Collection method: clinical testing. Allele origin: germline.
Comment: This sequence change replaces arginine, which is basic and polar, with glutamine, which is neutral and polar, at codon 97 of the SLC6A19 protein (p.Arg97Gln). This variant is present in population databases (rs768989277, gnomAD 0.007%). This variant has not been reported in the literature in individuals affected with SLC6A19-related conditions. ClinVar contains an entry for this variant (Variation ID: 2056006). Advanced modeling of protein sequence and biophysical properties (such as structural, functional, and spatial information, amino acid conservation, physicochemical variation, residue mobility, and thermodynamic stability) performed at Invitae indicates that this missense variant is not expected to disrupt SLC6A19 protein function with a negative predictive value of 80%. In summary, the available evidence is currently insufficient to determine the role of this variant in disease. Therefore, it has been classified as a Variant of Uncertain Significance.

Ambry Genetics
Classification: Uncertain significance for Inborn genetic diseases. Last evaluated: 2022-07-12. Review status: criteria provided, single submitter. Criteria: Ambry Variant Classification Scheme 2023. Collection method: clinical testing. Allele origin: germline.